The following is an entry in ClinVar:

ClinVar aggregate classification (germline): Uncertain significance (1 of 4 stars; one submission).

Conditions:
Nemaline myopathy 6 (NEM6). Also called: Nemaline myopathy 6, autosomal dominant. Identifiers: Orphanet 171439, MedGen C1836472, MONDO:0012237, OMIM 609273.

gnomAD v4.1: 6 of 1,404,002 alleles (0.00043%); highest among the groups gnomAD compares: African/African-American, 0.0061%; no homozygotes.

Submission:

Labcorp Genetics (formerly Invitae), Labcorp
Classification: Uncertain significance for Nemaline myopathy 6. Last evaluated: 2025-02-02. Review status: criteria provided, single submitter. Criteria: Invitae Variant Classification Sherloc (09022015). Collection method: clinical testing. Allele origin: germline.
Comment: This sequence change affects codon 148 of the KBTBD13 mRNA. It is a 'silent' change, meaning that it does not change the encoded amino acid sequence of the KBTBD13 protein. This variant is not present in population databases (gnomAD no frequency). This variant has not been reported in the literature in individuals affected with KBTBD13-related conditions. Experimental studies and prediction algorithms are not available or were not evaluated, and the effect of this variant on mRNA splicing is currently unknown. In summary, the available evidence is currently insufficient to determine the role of this variant in disease. Therefore, it has been classified as a Variant of Uncertain Significance.

NM_001101362.3(KBTBD13):c.444C>T (p.Tyr148=)

Gene: KBTBD13 (kelch repeat and BTB domain containing 13; plus strand). Cytogenetic location: 15q22.31.
Variant type: single nucleotide variant.
Coding change: c.444C>T on transcript NM_001101362.3 (MANE Select); coding-DNA position 444, C replaced by T.
Protein change: p.Tyr148=; no amino-acid change (tyrosine 148 retained).
Molecular consequence: synonymous variant.
Genome position (GRCh38, 1-based): chr15:65,077,259, C>T. VCF-style: chr15-65077259-C-T. GRCh37 (hg19) VCF-style: chr15-65369597-C-T.
Identifiers: ClinVar variation 4810084 (VCV004810084.1).